The following is an entry in ClinVar:

ClinVar aggregate classification (germline): Pathogenic (1 of 4 stars; one submission).

Conditions:
Cornelia de Lange syndrome 1 (CDLS1). Also called: TYPUS DEGENERATIVUS AMSTELODAMENSIS; Brachmann de Lange syndrome; NIPBL-Related Cornelia de Lange Syndrome. Identifiers: Orphanet 199, MedGen C4551851, MONDO:0007387, OMIM 122470.

Submission:

Centro Nacional de Genética Medica, Administración Nacional de Laboratorios e Institutos de Salud (ANLIS) “Dr. Carlos G Malbrán”
Classification: Pathogenic for Cornelia de Lange syndrome 1. Last evaluated: 2025-11-02. Review status: criteria provided, single submitter. Criteria: ACMG Guidelines, 2015. Collection method: clinical testing. Allele origin: germline. Affected: yes. Observed: 1 variant allele.
Comment: This variant is predicted to cause a premature (nonsense) stop codon (p.Gly2655) of the amino acid glycine at position 2655. This type of variant typically results in the deletion of messenger RNA through nonsense-mediated decay (NMD) (PMID: 16757948; 17352659). The gene is classified as haploinsufficient according to Clingen (ISCA-4930). As a consequence of the variant found in the patient, there would be no translation and, therefore, a lack of protein (PVS1). The variant found is not present in population databases such as GnomAD, ExAc, or 1000 Genomes (PM2_Supporting). The patient's phenotype is consistent with CdLS, and the NIPBL gene is closely related to the pathology (PP4). Therefore, and following the international rules of the American College of Medical Genetics (ACMG), the heterozygous variant identified in the NIPBL gene, c.7963G>T (NM_133433.4), is classified as Pathogenic (PVS1, PM2_Supporting, and PP4).

Literature cited by the submitters: PubMed 16757948; PubMed 17352659.

NM_133433.4(NIPBL):c.7963G>T (p.Gly2655Ter)

Gene: NIPBL (NIPBL cohesin loading factor; plus strand). Cytogenetic location: 5p13.2.
Variant type: single nucleotide variant.
Coding change: c.7963G>T on transcript NM_133433.4 (MANE Select); coding-DNA position 7963, G replaced by T.
Protein change: p.Gly2655Ter; replaces glycine 2655 with a stop codon.
Molecular consequence: nonsense.
Genome position (GRCh38, 1-based): chr5:37,063,892, G>T. VCF-style: chr5-37063892-G-T. GRCh37 (hg19) VCF-style: chr5-37063994-G-T.
Other names: c.7963G>T, p.Gly2655Ter (NM_001438586.1, NM_015384.5); short protein forms G2655*.
Identifiers: ClinVar variation 4871687 (VCV004871687.1).